The following is an entry in ClinVar:

ClinVar aggregate classification (germline): Uncertain significance (1 of 4 stars; one submission).

gnomAD v4.1: 16 of 1,605,920 alleles (0.001%); highest among the groups gnomAD compares: Middle Eastern, 0.017%; 1 homozygote.

Submission:

Ambry Genetics
Classification: Uncertain significance. Last evaluated: 2025-06-21. Review status: criteria provided, single submitter. Criteria: Ambry Variant Classification Scheme 2023. Collection method: clinical testing. Allele origin: germline.
Comment: The p.A216S variant (also known as c.646G>T), located in coding exon 3 of the GALNT12 gene, results from a G to T substitution at nucleotide position 646. The alanine at codon 216 is replaced by serine, an amino acid with similar properties. This amino acid position is conserved. In addition, the in silico prediction for this alteration is inconclusive. Since supporting evidence is limited at this time, the clinical significance of this alteration remains unclear.

NM_024642.5(GALNT12):c.646G>T (p.Ala216Ser)

Gene: GALNT12 (polypeptide N-acetylgalactosaminyltransferase 12; plus strand). Cytogenetic location: 9q22.33.
Variant type: single nucleotide variant.
Coding change: c.646G>T on transcript NM_024642.5 (MANE Select); coding-DNA position 646, G replaced by T.
Protein change: p.Ala216Ser; replaces alanine 216 with serine.
Molecular consequence: missense variant.
Genome position (GRCh38, 1-based): chr9:98,826,856, G>T. VCF-style: chr9-98826856-G-T. GRCh37 (hg19) VCF-style: chr9-101589138-G-T.
Other names: short protein forms A216S.
Identifiers: ClinVar variation 2566274 (VCV002566274.3), dbSNP rs770798296, ClinGen allele CA5154014.